The following is an entry in ClinVar:

NM_001903.5(CTNNA1):c.294A>G (p.Arg98=)

Gene: CTNNA1 (catenin alpha 1; plus strand). Cytogenetic location: 5q31.2.
Variant type: single nucleotide variant.
Coding change: c.294A>G on transcript NM_001903.5 (MANE Select); coding-DNA position 294, A replaced by G.
Protein change: p.Arg98=; no amino-acid change (arginine 98 retained).
Molecular consequence: synonymous variant. On other transcripts: intron variant (2).
Genome position (GRCh38, 1-based): chr5:138,783,365, A>G. VCF-style: chr5-138783365-A-G. GRCh37 (hg19) VCF-style: chr5-138119054-A-G.
Other names: c.294A>G, p.Arg98= (NM_001290307.3, NM_001323982.2, NM_001323983.1 and 3 more transcripts); c.-6+93A>G (NM_001290310.3); c.-9+1336A>G (NM_001290309.3).
Identifiers: ClinVar variation 3773392 (VCV003773392.1).
Genomic context (GRCh38, chr5:138,783,365, plus strand): 5'-AATTGCGAAGGAGAGCCAGTTTCTCAAGGAGGAGCTTGTGGCTGCTGTAGAAGATGTTCG[A>G]AAACAAGGTAGGTCATTACTGCTTTTTAGGTAAAGAGAGGCAGGCCTTTCTAGAAAATCA-3'
Protein context (NP_001894.2, residues 88-108): EELVAAVEDV[Arg98=]KQGDLMKAAA

ClinVar aggregate classification (germline): Benign (1 of 4 stars; one submission).

Conditions:
Hereditary diffuse gastric adenocarcinoma (HDGC). Also called: DIFFUSE GASTRIC AND LOBULAR BREAST CANCER SYNDROME. Identifiers: Orphanet 26106, MedGen C1708349, MONDO:0007648, OMIM 137215.

gnomAD v4.1: 1 of 1,612,828 alleles (0.000062%); highest among the groups gnomAD compares: African/African-American, 0.0013%; no homozygotes.

Submission:

Myriad Genetics, Inc.
Classification: Benign for Hereditary diffuse gastric adenocarcinoma. Last evaluated: 2024-10-09. Review status: criteria provided, single submitter. Criteria: Myriad Autosomal Dominant, Autosomal Recessive and X-Linked Classification Criteria (2023). Collection method: clinical testing. Allele origin: unknown.
Comment: This variant is considered benign. This variant is a silent/synonymous amino acid change and it is not expected to impact splicing.